The following is an entry in ClinVar:

NM_006231.4(POLE):c.311T>C (p.Phe104Ser)

Gene: POLE (DNA polymerase epsilon, catalytic subunit; minus strand). Cytogenetic location: 12q24.33.
Variant type: single nucleotide variant.
Coding change: c.311T>C on transcript NM_006231.4 (MANE Select); coding-DNA position 311, T replaced by C.
Protein change: p.Phe104Ser; replaces phenylalanine 104 with serine.
Molecular consequence: missense variant.
Genome position (GRCh38, 1-based): chr12:132,680,197, A>G on the plus strand (T>C on the coding strand, the complement: POLE is on the minus strand). VCF-style: chr12-132680197-A-G. GRCh37 (hg19) VCF-style: chr12-133256783-A-G.
Other names: c.311T>C (NM_006231.2); short protein forms F104S.
Identifiers: ClinVar variation 2865329 (VCV002865329.4), dbSNP rs2542191723, ClinGen allele CA387368691.

ClinVar aggregate classification (germline): Uncertain significance. Review status: criteria provided, multiple submitters, no conflicts (2 of 4 stars). 2 submissions from 2 submitters: Uncertain significance (2). Last evaluated 2024-12-29.

Conditions:
Hereditary cancer-predisposing syndrome. Also called: Hereditary neoplastic syndrome; Tumor predisposition; Neoplastic Syndromes, Hereditary; Hereditary Cancer Syndrome. Identifiers: Orphanet 140162, MedGen C0027672, MeSH D009386, MONDO:0015356.

Submissions (2):

Ambry Genetics
Classification: Uncertain significance for Hereditary cancer-predisposing syndrome. Last evaluated: 2024-12-29. Review status: criteria provided, single submitter. Criteria: Ambry Variant Classification Scheme 2023. Collection method: clinical testing. Allele origin: germline.
Comment: The p.F104S variant (also known as c.311T>C), located in coding exon 4 of the POLE gene, results from a T to C substitution at nucleotide position 311. The phenylalanine at codon 104 is replaced by serine, an amino acid with highly dissimilar properties. This amino acid position is conserved. In addition, this alteration is predicted to be deleterious by in silico analysis. Based on the available evidence, the clinical significance of this variant remains unclear.

Labcorp Genetics (formerly Invitae), Labcorp
Classification: Uncertain significance. Last evaluated: 2023-12-31. Review status: criteria provided, single submitter. Criteria: Invitae Variant Classification Sherloc (09022015). Collection method: clinical testing. Allele origin: germline.
Comment: This sequence change replaces phenylalanine, which is neutral and non-polar, with serine, which is neutral and polar, at codon 104 of the POLE protein (p.Phe104Ser). This variant is not present in population databases (gnomAD no frequency). This variant has not been reported in the literature in individuals affected with POLE-related conditions. Advanced modeling of protein sequence and biophysical properties (such as structural, functional, and spatial information, amino acid conservation, physicochemical variation, residue mobility, and thermodynamic stability) performed at Invitae indicates that this missense variant is expected to disrupt POLE protein function with a positive predictive value of 80%. In summary, the available evidence is currently insufficient to determine the role of this variant in disease. Therefore, it has been classified as a Variant of Uncertain Significance.